The following is an entry in ClinVar:

NM_006445.4(PRPF8):c.6926A>T (p.His2309Leu)

Gene: PRPF8 (pre-mRNA processing factor 8; minus strand). Cytogenetic location: 17p13.3.
Variant type: single nucleotide variant.
Coding change: c.6926A>T on transcript NM_006445.4 (MANE Select); coding-DNA position 6926, A replaced by T.
Protein change: p.His2309Leu; replaces histidine 2309 with leucine.
Molecular consequence: missense variant.
Genome position (GRCh38, 1-based): chr17:1,650,884, T>A on the plus strand (A>T on the coding strand, the complement: PRPF8 is on the minus strand). VCF-style: chr17-1650884-T-A. GRCh37 (hg19) VCF-style: chr17-1554178-T-A.
Other names: short protein forms H2309L.
Identifiers: ClinVar variation 1065709 (VCV001065709.5), dbSNP rs121434236, ClinGen allele CA397562042.

ClinVar aggregate classification (germline): Conflicting classifications of pathogenicity. Review status: criteria provided, conflicting classifications (1 of 4 stars). 3 submissions from 3 submitters: Pathogenic (1); Likely pathogenic (1); Uncertain significance (1). Last evaluated 2023-11-13.

Conditions:
PRPF8-related disorder. Also called: PRPF8-related condition.
Retinitis pigmentosa 13 (RP13). Also called: PRPF 8-Related Retinitis Pigmentosa. Identifiers: Orphanet 791, MedGen C1838702, MONDO:0010806, OMIM 600059.

Submissions (3):

Labcorp Genetics (formerly Invitae), Labcorp
Classification: Likely pathogenic. Last evaluated: 2023-11-13. Review status: criteria provided, single submitter. Criteria: Invitae Variant Classification Sherloc (09022015). Collection method: clinical testing. Allele origin: germline.
Comment: This sequence change replaces histidine, which is basic and polar, with leucine, which is neutral and non-polar, at codon 2309 of the PRPF8 protein (p.His2309Leu). This variant is not present in population databases (gnomAD no frequency). This missense change has been observed in individuals with retinitis pigmentosa (PMID: 36819107; Invitae). ClinVar contains an entry for this variant (Variation ID: 1065709). Advanced modeling of protein sequence and biophysical properties (such as structural, functional, and spatial information, amino acid conservation, physicochemical variation, residue mobility, and thermodynamic stability) performed at Invitae indicates that this missense variant is expected to disrupt PRPF8 protein function with a positive predictive value of 80%. This variant disrupts the p.His2309 amino acid residue in PRPF8. Other variant(s) that disrupt this residue have been determined to be pathogenic (PMID: 18695108). This suggests that this residue is clinically significant, and that variants that disrupt this residue are likely to be disease-causing. In summary, the currently available evidence indicates that the variant is pathogenic, but additional data are needed to prove that conclusively. Therefore, this variant has been classified as Likely Pathogenic.

Blueprint Genetics
Classification: Pathogenic for PRPF8-related disorders. Last evaluated: 2023-09-06. Review status: criteria provided, single submitter. Criteria: ACMG Guidelines, 2015. Collection method: clinical testing. Allele origin: germline. Affected: yes. Observed: 3 variant alleles.

Ocular Genomics Institute, Massachusetts Eye and Ear
Classification: Uncertain significance for Retinitis pigmentosa 13. Last evaluated: 2021-04-08. Review status: criteria provided, single submitter. Criteria: ACMG Guidelines, 2015. Collection method: research. Allele origin: germline. Affected: yes.
Comment: Through a review of available evidence we were able to apply the following criteria: PM2, PM1. Based on this evidence we have classified this variant as Variant of Uncertain Significance.

Literature cited by the submitters: PubMed 36819107 (cited by Labcorp Genetics (formerly Invitae), Labcorp); PubMed 18695108 (cited by Labcorp Genetics (formerly Invitae), Labcorp).